The following is an entry in ClinVar:

ClinVar aggregate classification (germline): Likely pathogenic (1 of 4 stars; one submission).

Submission:

Dasa
Classification: Likely pathogenic. Last evaluated: 2025-07-10. Review status: criteria provided, single submitter. Criteria: DASA Assertion Criteria. Collection method: clinical testing. Allele origin: germline.
Comment: NM_003332.4(TYROBP):c.151del (p.Leu51Trpfs*3) is a frameshift variant in TYROBP predicted to alter the reading frame and introduce a premature termination codon and is predicted to result in an absent or altered protein product. Loss of function is an established disease mechanism for TYROBP-associated disorders. Also, this variant is rare in population databases. Based on the currently available evidence, this variant is classified as likely pathogenic.

NM_003332.4(TYROBP):c.151del (p.Leu51fs)

Gene: TYROBP (transmembrane immune signaling adaptor TYROBP; minus strand). Cytogenetic location: 19q13.12.
Variant type: Deletion.
Coding change: c.151del on transcript NM_003332.4 (MANE Select); coding-DNA position 151, one base deleted (C; older notation c.151delC).
Protein change: p.Leu51fs; shifts the reading frame from leucine 51.
Molecular consequence: frameshift variant. On other transcripts: non-coding transcript variant (1).
Genome position (GRCh38, 1-based): chr19:35,907,524, G deleted on the plus strand (C on the coding strand, the reverse complement: TYROBP is on the minus strand); the first of 2 consecutive G bases (chr19:35,907,524-35,907,525); deleting either gives the same sequence. VCF-style (leftmost placement, unchanged base first): chr19-35907523-AG-A. GRCh37 (hg19) VCF-style: chr19-36398425-AG-A.
Other names: c.118del, p.Leu40fs (NM_001173514.2, NM_001173515.2); c.151del, p.Leu51fs (NM_198125.3); short protein forms L40fs, L51fs.
Identifiers: ClinVar variation 4880649 (VCV004880649.2).